The following is an entry in ClinVar:

NM_000482.4(APOA4):c.1038C>T (p.Asp346=)

Gene: APOA4 (apolipoprotein A4; minus strand). Cytogenetic location: 11q23.3.
Variant type: single nucleotide variant.
Coding change: c.1038C>T on transcript NM_000482.4 (MANE Select); coding-DNA position 1038, C replaced by T.
Protein change: p.Asp346=; no amino-acid change (aspartic acid 346 retained).
Molecular consequence: synonymous variant.
Genome position (GRCh38, 1-based): chr11:116,821,020, G>A on the plus strand (C>T on the coding strand, the complement: APOA4 is on the minus strand). VCF-style: chr11-116821020-G-A. GRCh37 (hg19) VCF-style: chr11-116691736-G-A.
Identifiers: ClinVar variation 5039373 (VCV005039373.1).

ClinVar aggregate classification (germline): Likely benign (1 of 4 stars; one submission).

Submission:

CeGaT Center for Human Genetics Tuebingen
Classification: Likely benign. Last evaluated: 2026-07-01. Review status: criteria provided, single submitter. Criteria: CeGaT Center For Human Genetics Tuebingen Variant Classification Criteria Version 2. Collection method: clinical testing. Allele origin: germline. Affected: yes. Observed: 1 variant allele.
Comment: APOA4: BP4, BP7